The following is an entry in ClinVar:

NM_019112.4(ABCA7):c.4795G>A (p.Val1599Met)

Gene: ABCA7 (ATP binding cassette subfamily A member 7; plus strand). Cytogenetic location: 19p13.3.
Variant type: single nucleotide variant.
Coding change: c.4795G>A on transcript NM_019112.4 (MANE Select); coding-DNA position 4795, G replaced by A.
Protein change: p.Val1599Met; replaces valine 1599 with methionine.
Molecular consequence: missense variant.
Genome position (GRCh38, 1-based): chr19:1,057,344, G>A. VCF-style: chr19-1057344-G-A. GRCh37 (hg19) VCF-style: chr19-1057343-G-A.
Other names: c.4795G>A (NM_019112.3); short protein forms V1599M.
Identifiers: ClinVar variation 493242 (VCV000493242.46), dbSNP rs117187003, ClinGen allele CA9034613.
Genomic context (GRCh38, chr19:1,057,344, plus strand): 5'-TGATAAAGGTAACTGCCATCTCCAATGCAGTGTAACTACTTGGTGCCAGCATGCATCGTG[G>A]TGCTCATCTTTCTGGCCTTCCAGCAGAGGGCATATGTGGCCCCTGCCAACCTGCCTGCTC-3'
Protein context (NP_061985.2, residues 1589-1609): CNYLVPACIV[Val1599Met]LIFLAFQQRA

ClinVar aggregate classification (germline): Likely benign. Review status: criteria provided, multiple submitters, no conflicts (2 of 4 stars). 4 submissions from 4 submitters: Likely benign (3). 1 of the submissions does not count toward it. Last evaluated 2025-05-01.

Conditions:
ABCA7-related disorder. Also called: ABCA7-related condition.

Allele frequency attached by ClinVar (database versions not stated): 1000 Genomes Project 0.00180; 1000 Genomes Project 30x 0.00203; ESP Exome Variant Server 0.00269; gnomAD 0.00308 and 0.00376; ExAC 0.00309; gnomAD exomes 0.00338; TOPMed 0.00399.
gnomAD v4.1: 5,397 of 1,613,914 alleles (0.33%); highest among the groups gnomAD compares: Middle Eastern, 1.6%; 24 homozygotes.

Submissions (4):

CeGaT Center for Human Genetics Tuebingen
Classification: Likely benign. Last evaluated: 2025-05-01. Review status: criteria provided, single submitter. Criteria: CeGaT Center For Human Genetics Tuebingen Variant Classification Criteria Version 2. Collection method: clinical testing. Allele origin: germline. Affected: yes. Observed: 5 variant alleles.
Comment: ABCA7: BS2

Blueprint Genetics
Classification: Likely benign. Last evaluated: 2024-11-26. Review status: criteria provided, single submitter. Criteria: ACMG Guidelines, 2015. Collection method: clinical testing. Allele origin: germline.

Breakthrough Genomics
Classification: Likely benign. Review status: criteria provided, single submitter. Criteria: ACMG Guidelines, 2015. Collection method: not provided. Allele origin: germline. Inheritance: Autosomal dominant inheritance. Affected: yes.

PreventionGenetics, part of Exact Sciences
Classification: Benign for ABCA7-related condition. Last evaluated: 2020-01-22. Review status: no assertion criteria provided. Collection method: clinical testing. Allele origin: germline. Not counted in ClinVar's aggregate classification.
Comment: This variant is classified as benign based on ACMG/AMP sequence variant interpretation guidelines (Richards et al. 2015 PMID: 25741868, with internal and published modifications).